The following is an entry in ClinVar:

ClinVar aggregate classification (germline): Likely benign (1 of 4 stars; one submission).

Allele frequency attached by ClinVar (database versions not stated): ESP Exome Variant Server 0.00008; TOPMed 0.00041; gnomAD 0.00054; gnomAD exomes 0.00076; ExAC 0.00140; 1000 Genomes Project 30x 0.00156; 1000 Genomes Project 0.00160.
gnomAD v4.1: 1,232 of 1,613,916 alleles (0.076%); highest among the groups gnomAD compares: South Asian, 0.69%; 11 homozygotes.

Submission:

CeGaT Center for Human Genetics Tuebingen
Classification: Likely benign. Last evaluated: 2023-11-01. Review status: criteria provided, single submitter. Criteria: CeGaT Center For Human Genetics Tuebingen Variant Classification Criteria Version 2. Collection method: clinical testing. Allele origin: germline. Affected: yes. Observed: 1 variant allele.
Comment: ANKS1B: BP4, BS2

NM_001352186.2(ANKS1B):c.2242A>G (p.Asn748Asp)

Gene: ANKS1B (ankyrin repeat and sterile alpha motif domain containing 1B; minus strand). Cytogenetic location: 12q23.1.
Variant type: single nucleotide variant.
Coding change: c.2242A>G on transcript NM_001352186.2 (MANE Select); coding-DNA position 2242, A replaced by G.
Protein change: p.Asn748Asp; replaces asparagine 748 with aspartic acid.
Molecular consequence: missense variant.
Genome position (GRCh38, 1-based): chr12:99,246,379, T>C on the plus strand (A>G on the coding strand, the complement: ANKS1B is on the minus strand). VCF-style: chr12-99246379-T-C. GRCh37 (hg19) VCF-style: chr12-99640157-T-C.
Other names: c.2242A>G, p.Asn748Asp (NM_001352185.1, NM_001352187.1, NM_001352188.1 and 1 more transcripts); short protein forms N748D.
Identifiers: ClinVar variation 2672517 (VCV002672517.21), dbSNP rs180896075, ClinGen allele CA6735107.